The following is an entry in ClinVar:

NM_000228.3(LAMB3):c.1435G>T (p.Glu479Ter)

Gene: LAMB3 (laminin subunit beta 3; minus strand). Cytogenetic location: 1q32.2.
Variant type: single nucleotide variant.
Coding change: c.1435G>T on transcript NM_000228.3 (MANE Select); coding-DNA position 1435, G replaced by T.
Protein change: p.Glu479Ter; replaces glutamic acid 479 with a stop codon.
Molecular consequence: nonsense.
Genome position (GRCh38, 1-based): chr1:209,627,433, C>A on the plus strand (G>T on the coding strand, the complement: LAMB3 is on the minus strand). VCF-style: chr1-209627433-C-A. GRCh37 (hg19) VCF-style: chr1-209800778-C-A.
Other names: c.1435G>T, p.Glu479Ter (NM_001017402.2, NM_001127641.1); short protein forms E479*.
Identifiers: ClinVar variation 1725310 (VCV001725310.3), dbSNP rs2464831167, ClinGen allele CA344591057.

ClinVar aggregate classification (germline): Likely pathogenic (1 of 4 stars; one submission).

Conditions:
Junctional epidermolysis bullosa. Identifiers: Orphanet 305, MedGen C0079301, MONDO:0017612.

Submission:

Myriad Genetics, Inc.
Classification: Likely pathogenic for Junctional epidermolysis bullosa. Last evaluated: 2022-03-15. Review status: criteria provided, single submitter. Criteria: Myriad Autosomal Dominant, Autosomal Recessive and X-Linked Classification Criteria (2023). Collection method: clinical testing. Allele origin: unknown.
Comment: NM_000228.2(LAMB3):c.1435G>T(E479*) is expected to be pathogenic in the context of junctional epidermolysis bullosa, LAMB3-related. This variant is predicted to lead to an abnormal or absent protein product due to the creation of a premature termination codon in LAMB3, a gene where loss-of-function variants are known to be pathogenic. Please note: this variant was assessed in the context of healthy population screening.